The following is an entry in ClinVar:

NM_014363.6(SACS):c.8215_8216del (p.Met2739fs)

Gene: SACS (sacsin molecular chaperone; minus strand). Cytogenetic location: 13q12.12.
Variant type: Deletion.
Coding change: c.8215_8216del on transcript NM_014363.6 (MANE Select); coding-DNA positions 8215 to 8216, 2 bases deleted (AT; older notation c.8215_8216delAT).
Protein change: p.Met2739fs; shifts the reading frame from methionine 2739.
Molecular consequence: frameshift variant.
Genome position (GRCh38, 1-based): chr13:23,335,660-23,335,661, AT deleted on the plus strand (AT on the coding strand, the reverse complement: SACS is on the minus strand). VCF-style (leftmost placement, unchanged base first): chr13-23335659-CAT-C. GRCh37 (hg19) VCF-style: chr13-23909798-CAT-C.
Other names: c.7774_7775del, p.Met2592fs (NM_001278055.2); c.8242_8243del, p.Met2748fs (NM_001437336.1); short protein forms M2592fs, M2739fs, M2748fs.
Identifiers: ClinVar variation 4815715 (VCV004815715.2).

ClinVar aggregate classification (germline): Pathogenic/Likely pathogenic. Review status: criteria provided, multiple submitters, no conflicts (2 of 4 stars). 2 submissions from 2 submitters: Pathogenic (1); Likely pathogenic (1). Last evaluated 2025-11-18.

Conditions:
Charlevoix-Saguenay spastic ataxia (SACS). Also called: Spastic ataxia of Charlevoix-Saguenay; SPASTIC ATAXIA 6, AUTOSOMAL RECESSIVE; AUTOSOMAL RECESSIVE SPASTIC ATAXIA OF CHARLEVOIX-SAGUENAY. Identifiers: Orphanet 98, MedGen C1849140, MONDO:0010041, OMIM 270550.

Submissions (2):

Myriad Genetics, Inc.
Classification: Pathogenic for Charlevoix-Saguenay spastic ataxia. Last evaluated: 2025-11-18. Review status: criteria provided, single submitter. Criteria: Myriad Autosomal Dominant, Autosomal Recessive and X-Linked Classification Criteria (2023). Collection method: clinical testing. Allele origin: unknown.
Comment: NM_014363.4(SACS):c.8215_8216delAT(M2739Vfs*3) is a frameshift variant classified as pathogenic in the context of autosomal recessive spastic ataxia of Charlevoix-Saguenay. M2739Vfs*3 has not been observed in cases with relevant disease. Relevant functional assessments of this variant are not available in the literature. M2739Vfs*3 has not been observed in referenced population frequency databases. In summary, NM_014363.4(SACS):c.8215_8216delAT(M2739Vfs*3) is a frameshift variant in a gene where loss of function is a known mechanism of disease and is predicted to disrupt protein function. Please note: this variant was assessed in the context of healthy population screening.

Natera, Inc.
Classification: Likely pathogenic for Charlevoix-Saguenay type spastic ataxia. Last evaluated: 2025-11-04. Review status: criteria provided, single submitter. Criteria: Natera Variant Classification Schema (03/2026). Collection method: clinical testing. Allele origin: germline.
Comment: The c.8215_8216del variant in SACS is a frameshift variant predicted to shift the reading frame beginning at codon 2739 and leads to a stop codon 3 codons downstream. This variant is expected to result in nonsense mediated decay, truncation, or a dysfunctional protein product. This variant is rare in the general population with a frequency below the threshold expected for the associated phenotype(s). Given the available evidence, this variant is classified as Likely Pathogenic.